The following is an entry in ClinVar:

NM_178857.6(RP1L1):c.996C>G (p.Val332=)

Gene: RP1L1 (RP1 like 1). Cytogenetic location: 8p23.1.
Variant type: single nucleotide variant.
Coding change: c.996C>G on transcript NM_178857.6 (MANE Select); coding-DNA position 996, C replaced by G.
Protein change: p.Val332=; no amino-acid change (valine 332 retained).
Molecular consequence: synonymous variant.
Genome position (GRCh38, 1-based): chr8:10,613,102, G>C on the plus strand (C>G on the coding strand, the complement: RP1L1 is on the minus strand). VCF-style: chr8-10613102-G-C. GRCh37 (hg19) VCF-style: chr8-10470612-G-C.
Identifiers: ClinVar variation 4820827 (VCV004820827.4).
Genomic context (GRCh38, chr8:10,613,102, plus strand): 5'-GGCTGCCGTGAGGGCGCTGGCCCTGCCCATCCTCCGGGACCATAGGAGCGTGTCCTCGCC[G>C]ACCAGGTGGAAGCGGACTTTCATCTCCACGGACAGGCTGCCGTCCTCATTCATGCGGACC-3'
Protein context (NP_849188.4, residues 322-342): SVEMKVRFHL[Val332=]GEDTLLWSRR

ClinVar aggregate classification (germline): Likely benign (1 of 4 stars; one submission).

gnomAD v4.1: 14 of 1,613,770 alleles (0.00087%); highest among the groups gnomAD compares: East Asian, 0.0067%; no homozygotes.

Submission:

CeGaT Center for Human Genetics Tuebingen
Classification: Likely benign. Last evaluated: 2026-03-01. Review status: criteria provided, single submitter. Criteria: CeGaT Center For Human Genetics Tuebingen Variant Classification Criteria Version 2. Collection method: clinical testing. Allele origin: germline. Affected: yes. Observed: 1 variant allele.
Comment: RP1L1: BP4, BP7